The following is an entry in ClinVar:

NM_001085.5(SERPINA3):c.36C>T (p.Leu12=)

Gene: SERPINA3 (serpin family A member 3; plus strand). Cytogenetic location: 14q32.13.
Variant type: single nucleotide variant.
Coding change: c.36C>T on transcript NM_001085.5 (MANE Select); coding-DNA position 36, C replaced by T.
Protein change: p.Leu12=; no amino-acid change (leucine 12 retained).
Molecular consequence: synonymous variant.
Genome position (GRCh38, 1-based): chr14:94,614,477, C>T. VCF-style: chr14-94614477-C-T. GRCh37 (hg19) VCF-style: chr14-95080814-C-T.
Identifiers: ClinVar variation 789642 (VCV000789642.29), dbSNP rs79181968, ClinGen allele CA7329649.

ClinVar aggregate classification (germline): Benign/Likely benign. Review status: criteria provided, multiple submitters, no conflicts (2 of 4 stars). 3 submissions from 3 submitters: Benign (2); Likely benign (1). Last evaluated 2023-03-01.

Allele frequency attached by ClinVar (database versions not stated): 1000 Genomes Project 0.00280; 1000 Genomes Project 30x 0.00328; TOPMed 0.00438; gnomAD 0.00446 and 0.00456; ESP Exome Variant Server 0.00492; gnomAD exomes 0.00502 and 0.00621; ExAC 0.00537.
gnomAD v4.1: 9,741 of 1,614,102 alleles (0.6%); highest among the groups gnomAD compares: Non-Finnish European, 0.67%; 31 homozygotes.

Submissions (3):

CeGaT Center for Human Genetics Tuebingen
Classification: Likely benign. Last evaluated: 2023-03-01. Review status: criteria provided, single submitter. Criteria: CeGaT Center For Human Genetics Tuebingen Variant Classification Criteria Version 2. Collection method: clinical testing. Allele origin: germline. Affected: yes. Observed: 7 variant alleles.
Comment: SERPINA3: BP4, BP7, BS2

Labcorp Genetics (formerly Invitae), Labcorp
Classification: Benign. Last evaluated: 2019-12-31. Review status: criteria provided, single submitter. Criteria: Invitae Variant Classification Sherloc (09022015). Collection method: clinical testing. Allele origin: germline.

Breakthrough Genomics
Classification: Benign. Review status: criteria provided, single submitter. Criteria: ACMG Guidelines, 2015. Collection method: not provided. Allele origin: germline. Inheritance: Unknown mechanism. Affected: yes.